The following is an entry in ClinVar:

ClinVar aggregate classification (germline): Pathogenic (1 of 4 stars; one submission).

Conditions:
Arrhythmogenic cardiomyopathy with wooly hair and keratoderma. Also called: Arrhythmogenic cardiomyopathy with woolly hair and keratoderma; PALMOPLANTAR KERATODERMA WITH LEFT VENTRICULAR CARDIOMYOPATHY AND WOOLLY HAIR; Dilated cardiomyopathy with woolly hair and keratoderma; Carvajal syndrome. Identifiers: Orphanet 65282, MedGen C1854063, MONDO:0011581, OMIM 605676.
Arrhythmogenic right ventricular dysplasia 8 (ARVD8). Also called: Arrhythmogenic Right Ventricular Dysplasia/Cardiomyopathy 8; ARRHYTHMOGENIC RIGHT VENTRICULAR DYSPLASIA, FAMILIAL, 8; ARRHYTHMOGENIC RIGHT VENTRICULAR CARDIOMYOPATHY 8. Identifiers: MedGen C1843896, MONDO:0011831, OMIM 607450.

Submission:

Labcorp Genetics (formerly Invitae), Labcorp
Classification: Pathogenic for Arrhythmogenic cardiomyopathy with wooly hair and keratoderma; Arrhythmogenic right ventricular dysplasia 8. Last evaluated: 2024-04-29. Review status: criteria provided, single submitter. Criteria: Invitae Variant Classification Sherloc (09022015). Collection method: clinical testing. Allele origin: germline.
Comment: This sequence change creates a premature translational stop signal (p.Lys1626Glufs*3) in the DSP gene. It is expected to result in an absent or disrupted protein product. Loss-of-function variants in DSP are known to be pathogenic (PMID: 20716751, 24503780, 25227139). This variant is not present in population databases (gnomAD no frequency). This variant has not been reported in the literature in individuals affected with DSP-related conditions. ClinVar contains an entry for this variant (Variation ID: 948221). For these reasons, this variant has been classified as Pathogenic.

Literature cited by the submitters: PubMed 20716751; PubMed 24503780; PubMed 25227139.

NM_004415.4(DSP):c.4876_4880del (p.Lys1626fs)

Gene: DSP (desmoplakin; plus strand). Cytogenetic location: 6p24.3.
Variant type: Deletion.
Coding change: c.4876_4880del on transcript NM_004415.4 (MANE Select); coding-DNA positions 4876 to 4880, 5 bases deleted (AAGAA; older notation c.4876_4880delAAGAA).
Protein change: p.Lys1626fs; shifts the reading frame from lysine 1626.
Molecular consequence: frameshift variant. On other transcripts: intron variant (2).
Genome position (GRCh38, 1-based): chr6:7,581,066-7,581,070, AAGAA deleted. VCF-style (leftmost placement, unchanged base first): chr6-7581065-TAAGAA-T. GRCh37 (hg19) VCF-style: chr6-7581298-TAAGAA-T.
Other names: c.4050+826_4050+830del (NM_001319034.2); c.3582+1294_3582+1298del (NM_001008844.3); short protein forms K1626fs.
Identifiers: ClinVar variation 948221 (VCV000948221.8), dbSNP rs1759421816, ClinGen allele CA1139659413.